The following is an entry in ClinVar:

NM_015404.4(WHRN):c.2388C>A (p.Asn796Lys)

Gene: WHRN (whirlin; minus strand). Cytogenetic location: 9q32.
Variant type: single nucleotide variant.
Coding change: c.2388C>A on transcript NM_015404.4 (MANE Select); coding-DNA position 2388, C replaced by A.
Protein change: p.Asn796Lys; replaces asparagine 796 with lysine.
Molecular consequence: missense variant.
Genome position (GRCh38, 1-based): chr9:114,403,926, G>T on the plus strand (C>A on the coding strand, the complement: WHRN is on the minus strand). VCF-style: chr9-114403926-G-T. GRCh37 (hg19) VCF-style: chr9-117166206-G-T.
Other names: c.1239C>A, p.Asn413Lys (NM_001083885.3); c.2385C>A, p.Asn795Lys (NM_001173425.2); c.1335C>A, p.Asn445Lys (NM_001346890.1); short protein forms N796K, N413K, N445K, N795K.
Identifiers: ClinVar variation 45674 (VCV000045674.25), dbSNP rs2274158, ClinGen allele CA136916.

ClinVar aggregate classification (germline): Benign. Review status: criteria provided, multiple submitters, no conflicts (2 of 4 stars). 10 submissions from 9 submitters: Benign (10). Last evaluated 2026-02-04.

Conditions:
Retinitis pigmentosa-deafness syndrome. Also called: RETINITIS PIGMENTOSA 21; RETINITIS PIGMENTOSA 8; Retinitis pigmentosa 8, formerly; RP8, formerly; Retinitis pigmentosa 21, formerly; RP21, formerly. Identifiers: MedGen C5779620, MONDO:0010775, OMIM 500004.
Usher syndrome type 2D. Also called: USHER SYNDROME, TYPE IID. Identifiers: Orphanet 231178, Orphanet 886, MedGen C1568249, MONDO:0012662, OMIM 611383.
Autosomal recessive nonsyndromic hearing loss 31. Also called: WHIRLER, MOUSE, HOMOLOG OF. Identifiers: Orphanet 90636, MedGen C1846839, MONDO:0011767, OMIM 607084.

Allele frequency attached by ClinVar (database versions not stated): ESP Exome Variant Server 0.17992; gnomAD 0.19185; TOPMed 0.19530; 1000 Genomes Project 30x 0.21971; 1000 Genomes Project 0.22244.
gnomAD v4.1: 371,882 of 1,610,268 alleles (23%); highest among the groups gnomAD compares: East Asian, 36%; 45,475 homozygotes.

Submissions (10):

Labcorp Genetics (formerly Invitae), Labcorp
Classification: Benign. Last evaluated: 2026-02-04. Review status: criteria provided, single submitter. Criteria: Invitae Variant Classification Sherloc (09022015). Collection method: clinical testing. Allele origin: germline.

Genome-Nilou Lab
Classification: Benign for Autosomal recessive nonsyndromic hearing loss 31. Last evaluated: 2021-07-30. Review status: criteria provided, single submitter. Criteria: ACMG Guidelines, 2015. Collection method: clinical testing. Allele origin: germline. Affected: no.

Mayo Clinic Laboratories, Mayo Clinic
Classification: Benign. Last evaluated: 2020-12-07. Review status: criteria provided, single submitter. Criteria: ACMG Guidelines, 2015. Collection method: clinical testing. Allele origin: germline. Observed: 67 variant alleles.

Mendelics
Classification: Benign for Retinitis pigmentosa-deafness syndrome. Last evaluated: 2019-05-28. Review status: criteria provided, single submitter. Criteria: Mendelics Assertion Criteria 2017. Collection method: clinical testing. Allele origin: unknown.

Illumina Laboratory Services, Illumina
Classification: Benign for Autosomal recessive nonsyndromic hearing loss 31. Last evaluated: 2018-01-13. Review status: criteria provided, single submitter. Criteria: ICSL Variant Classification Criteria 13 December 2019. Collection method: clinical testing. Allele origin: germline.
Comment: This variant was observed in the ICSL laboratory as part of a predisposition screen in an ostensibly healthy population. It had not been previously curated by ICSL or reported in the Human Gene Mutation Database (HGMD: prior to June 1st, 2018), and was therefore a candidate for classification through an automated scoring system. Utilizing variant allele frequency, disease prevalence and penetrance estimates, and inheritance mode, an automated score was calculated to assess if this variant is too frequent to cause the disease. Based on the score and internal cut-off values, a variant classified as benign is not then subjected to further curation. The score for this variant resulted in a classification of benign for this disease.

Illumina Laboratory Services, Illumina
Classification: Benign for Usher syndrome type 2D. Last evaluated: 2018-01-13. Review status: criteria provided, single submitter. Criteria: ICSL Variant Classification Criteria 13 December 2019. Collection method: clinical testing. Allele origin: germline.
Comment: the same text as in the submission from Illumina Laboratory Services, Illumina above.

GeneDx
Classification: Benign. Last evaluated: 2015-03-03. Review status: criteria provided, single submitter. Criteria: GeneDx Variant Classification Process June 2021. Collection method: clinical testing. Allele origin: germline. Affected: yes.

Laboratory for Molecular Medicine, Mass General Brigham Personalized Medicine
Classification: Benign. Last evaluated: 2009-06-19. Review status: criteria provided, single submitter. Criteria: LMM Criteria. Collection method: clinical testing. Allele origin: germline. Observed: 832 variant alleles.

Breakthrough Genomics
Classification: Benign. Review status: criteria provided, single submitter. Criteria: ACMG Guidelines, 2015. Collection method: not provided. Allele origin: germline. Inheritance: Autosomal recessive inheritance. Affected: yes.

PreventionGenetics, part of Exact Sciences
Classification: Benign. Review status: criteria provided, single submitter. Criteria: ACMG Guidelines, 2015. Collection method: clinical testing. Allele origin: germline.